The following is an entry in ClinVar:

ClinVar aggregate classification (germline): Uncertain significance (1 of 4 stars; one submission).

Conditions:
Hypertrophic cardiomyopathy. Also called: HYPERTROPHIC MYOCARDIOPATHY. Identifiers: Orphanet 217569, MedGen C0007194, MeSH D002312, MONDO:0005045, HP:0001639.

Submission:

Labcorp Genetics (formerly Invitae), Labcorp
Classification: Uncertain significance for Hypertrophic cardiomyopathy. Last evaluated: 2023-04-17. Review status: criteria provided, single submitter. Criteria: Invitae Variant Classification Sherloc (09022015). Collection method: clinical testing. Allele origin: germline.
Comment: In summary, the available evidence is currently insufficient to determine the role of this variant in disease. Therefore, it has been classified as a Variant of Uncertain Significance. This variant has not been reported in the literature in individuals affected with MYBPC3-related conditions. This variant is not present in population databases (gnomAD no frequency). This variant, c.2544_2552dup, results in the insertion of 3 amino acid(s) of the MYBPC3 protein (p.Val849_Ala851dup), but otherwise preserves the integrity of the reading frame.

NM_000256.3(MYBPC3):c.2544_2552dup (p.Ala851_Ile852insValAsnAla)

Gene: MYBPC3 (myosin binding protein C3; minus strand). Cytogenetic location: 11p11.2.
Variant type: Duplication.
Coding change: c.2544_2552dup on transcript NM_000256.3 (MANE Select); coding-DNA positions 2544 to 2552, 9 bases duplicated (GGTCAACGC; older notation c.2544_2552dupGGTCAACGC).
Protein change: p.Ala851_Ile852insValAsnAla.
Molecular consequence: inframe insertion.
Genome position (GRCh38, 1-based): chr11:47,337,441-47,337,449, GCGTTGACC duplicated on the plus strand (GGTCAACGC on the coding strand, the reverse complement: MYBPC3 is on the minus strand); duplicating any 9 consecutive bases within chr11:47,337,441-47,337,453 gives the same sequence; the c. name uses the placement nearest the transcript's 3' end. VCF-style (leftmost placement, unchanged base first): chr11-47337440-G-GGCGTTGACC. GRCh37 (hg19) VCF-style: chr11-47358991-G-GGCGTTGACC.
Identifiers: ClinVar variation 2857095 (VCV002857095.3), dbSNP rs2495749360, ClinGen allele CA2739270431.
Genomic context (GRCh38, chr11:47,337,440, plus strand): 5'-GGCAGGCTCACCGATAGGCATGAAGGGCTGGGAGGCAGGGCTGGGCCTGGACATGCCGAT[G>GGCGTTGACC]GCGTTGACCGCGTAGACGCGCATCTCGTACACCACGCCCTCGATCATGCGCCGCGCTTCA-3'